The following is an entry in ClinVar:

NM_021072.4(HCN1):c.1882C>T (p.His628Tyr)

Gene: HCN1 (hyperpolarization activated cyclic nucleotide gated potassium channel 1; minus strand). Cytogenetic location: 5p12.
Variant type: single nucleotide variant.
Coding change: c.1882C>T on transcript NM_021072.4 (MANE Select); coding-DNA position 1882, C replaced by T.
Protein change: p.His628Tyr; replaces histidine 628 with tyrosine.
Molecular consequence: missense variant.
Genome position (GRCh38, 1-based): chr5:45,262,712, G>A on the plus strand (C>T on the coding strand, the complement: HCN1 is on the minus strand). VCF-style: chr5-45262712-G-A. GRCh37 (hg19) VCF-style: chr5-45262814-G-A.
Other names: c.1882C>T (NM_021072.3); short protein forms H628Y.
Identifiers: ClinVar variation 3647267 (VCV003647267.3).

ClinVar aggregate classification (germline): Uncertain significance. Review status: criteria provided, multiple submitters, no conflicts (2 of 4 stars). 2 submissions from 2 submitters: Uncertain significance (2). Last evaluated 2025-06-10.

Conditions:
Early-infantile DEE. Also called: Early infantile epileptic encephalopathy; Ohtahara syndrome; Early infantile epileptic encephalopathy with suppression bursts. Identifiers: Orphanet 1934, MedGen C0393706, MONDO:0800491.

gnomAD v4.1: 3 of 1,614,130 alleles (0.00019%); highest among the groups gnomAD compares: Non-Finnish European, 0.00025%; no homozygotes.

Submissions (2):

GeneDx
Classification: Uncertain significance. Last evaluated: 2025-06-10. Review status: criteria provided, single submitter. Criteria: GeneDx Variant Classification Process June 2021. Collection method: clinical testing. Allele origin: germline. Affected: yes.
Comment: Not observed at significant frequency in large population cohorts (gnomAD); In silico analysis suggests that this missense variant does not alter protein structure/function; Has not been previously published as pathogenic or benign to our knowledge

Labcorp Genetics (formerly Invitae), Labcorp
Classification: Uncertain significance for Early-infantile DEE. Last evaluated: 2024-05-08. Review status: criteria provided, single submitter. Criteria: Invitae Variant Classification Sherloc (09022015). Collection method: clinical testing. Allele origin: germline.
Comment: This sequence change replaces histidine, which is basic and polar, with tyrosine, which is neutral and polar, at codon 628 of the HCN1 protein (p.His628Tyr). This variant is not present in population databases (gnomAD no frequency). This variant has not been reported in the literature in individuals affected with HCN1-related conditions. Advanced modeling of protein sequence and biophysical properties (such as structural, functional, and spatial information, amino acid conservation, physicochemical variation, residue mobility, and thermodynamic stability) performed at Invitae indicates that this missense variant is not expected to disrupt HCN1 protein function with a negative predictive value of 80%. In summary, the available evidence is currently insufficient to determine the role of this variant in disease. Therefore, it has been classified as a Variant of Uncertain Significance.